The following is an entry in ClinVar:

ClinVar aggregate classification (germline): Uncertain significance (0 of 4 stars; one submission).

Conditions:
CLCN6-related disorder. Also called: CLCN6-related condition.

Submission:

PreventionGenetics, part of Exact Sciences
Classification: Uncertain significance for CLCN6-related condition. Last evaluated: 2024-07-23. Review status: no assertion criteria provided. Collection method: clinical testing. Allele origin: germline.
Comment: The CLCN6 c.481G>C variant is predicted to result in the amino acid substitution p.Glu161Gln. To our knowledge, this variant has not been reported in the literature or in gnomAD, indicating this variant is rare. At this time, the clinical significance of this variant is uncertain due to the absence of conclusive functional and genetic evidence.

NM_001286.5(CLCN6):c.481G>C (p.Glu161Gln)

Gene: CLCN6 (chloride voltage-gated channel 6; plus strand). Cytogenetic location: 1p36.22.
Variant type: single nucleotide variant.
Coding change: c.481G>C on transcript NM_001286.5 (MANE Select); coding-DNA position 481, G replaced by C.
Protein change: p.Glu161Gln; replaces glutamic acid 161 with glutamine.
Molecular consequence: missense variant. On other transcripts: non-coding transcript variant (1).
Genome position (GRCh38, 1-based): chr1:11,823,734, G>C. VCF-style: chr1-11823734-G-C. GRCh37 (hg19) VCF-style: chr1-11883791-G-C.
Other names: c.415G>C, p.Glu139Gln (NM_001256959.2); short protein forms E139Q, E161Q.
Identifiers: ClinVar variation 3350870 (VCV003350870.1).